The following is an entry in ClinVar:

NM_000443.4(ABCB4):c.2870G>T (p.Arg957Leu)

Gene: ABCB4 (ATP binding cassette subfamily B member 4; minus strand). Cytogenetic location: 7q21.12.
Variant type: single nucleotide variant.
Coding change: c.2870G>T on transcript NM_000443.4 (MANE Select); coding-DNA position 2870, G replaced by T.
Protein change: p.Arg957Leu; replaces arginine 957 with leucine.
Molecular consequence: missense variant. On other transcripts: intron variant (1).
Genome position (GRCh38, 1-based): chr7:87,411,947, C>A on the plus strand (G>T on the coding strand, the complement: ABCB4 is on the minus strand). VCF-style: chr7-87411947-C-A. GRCh37 (hg19) VCF-style: chr7-87041263-C-A.
Other names: c.2870G>T, p.Arg957Leu (NM_018849.3); c.2783+1670G>T (NM_018850.3); short protein forms R957L.
Identifiers: ClinVar variation 4846611 (VCV004846611.1).

ClinVar aggregate classification (germline): Uncertain significance (1 of 4 stars; one submission).

Conditions:
Familial intrahepatic cholestasis. Identifiers: Orphanet 284385, MedGen CN296401, MONDO:0017290.

gnomAD v4.1: 6 of 1,613,864 alleles (0.00037%); highest among the groups gnomAD compares: Non-Finnish European, 0.00051%; no homozygotes.

Submission:

Genomenon, Inc
Classification: Uncertain significance for Familial intrahepatic cholestasis. Last evaluated: 2026-04-14. Review status: criteria provided, single submitter. Criteria: Genomenon Sequence Variant Interpretation Standards - Updated. Collection method: curation. Allele origin: germline. Affected: yes.
Comment: ABCB4 p.Arg957Leu (c.2870G>T) is a missense variant that changes the amino acid at residue 957 from Arginine to Leucine. This variant has been observed in at least one proband with an ABCB4-related disorder (PMID:40110281). It is absent or not present at a significant frequency in gnomAD. In conclusion, we classify ABCB4 p.Arg957Leu (c.2870G>T) as a variant of uncertain significance.

Literature cited by the submitters: PubMed 40110281.